The following is an entry in ClinVar:

ClinVar aggregate classification (germline): Likely pathogenic (1 of 4 stars; one submission).

Submission:

Labcorp Genetics (formerly Invitae), Labcorp
Classification: Likely pathogenic. Last evaluated: 2022-12-24. Review status: criteria provided, single submitter. Criteria: Invitae Variant Classification Sherloc (09022015). Collection method: clinical testing. Allele origin: unknown.
Comment: In summary, the currently available evidence indicates that the variant is pathogenic, but additional data are needed to prove that conclusively. Therefore, this variant has been classified as Likely Pathogenic. Experimental studies and prediction algorithms are not available or were not evaluated, and the functional significance of this variant is currently unknown. This variant has not been reported in the literature in individuals affected with ADK-related conditions. This variant results in a copy number gain of the genomic region encompassing exon(s) 9 of the ADK gene. While the exact position of this variant cannot be determined from the data, sub-genic copy number gains are generally in tandem (PMID: 25640679). This variant is predicted to be out-of-frame, and may result in an absent or disrupted protein product. Loss-of-function variants in ADK are known to be pathogenic (PMID: 26642971).

Literature cited by the submitters: PubMed 25640679; PubMed 26642971.

NC_000010.10:g.(?_76360117)_(76360271_?)dup

Gene: ADK (adenosine kinase; plus strand). Cytogenetic location: 10q22.2.
Variant type: Duplication.
Identifiers: ClinVar variation 3244961 (VCV003244961.1).